The following is an entry in ClinVar:

NM_000051.4(ATM):c.153A>G (p.Gln51=)

Gene: ATM (ATM serine/threonine kinase; plus strand). Cytogenetic location: 11q22.3.
Variant type: single nucleotide variant.
Coding change: c.153A>G on transcript NM_000051.4 (MANE Select); coding-DNA position 153, A replaced by G.
Protein change: p.Gln51=; no amino-acid change (glutamine 51 retained).
Molecular consequence: synonymous variant.
Genome position (GRCh38, 1-based): chr11:108,227,856, A>G. VCF-style: chr11-108227856-A-G. GRCh37 (hg19) VCF-style: chr11-108098583-A-G.
Other names: c.153A>G, p.Gln51= (NM_001351834.2, NM_001351835.2, NM_001351836.2); c.153A>G (NM_000051.3).
Identifiers: ClinVar variation 1405718 (VCV001405718.11), dbSNP rs2078823585, ClinGen allele CA476668082.
Genomic context (GRCh38, chr11:108,227,856, plus strand): 5'-GCGCCTGATTCGAGATCCTGAAACAATTAAACATCTAGATCGGCATTCAGATTCCAAACA[A>G]GGAAAATATTTGAATTGGGATGCTGTTTTTAGGTATTCTATTCAAATTTATTTTACTGTC-3'
Protein context (NP_000042.3, residues 41-61): KHLDRHSDSK[Gln51=]GKYLNWDAVF

ClinVar aggregate classification (germline): Conflicting classifications of pathogenicity. Review status: criteria provided, conflicting classifications (1 of 4 stars). 4 submissions from 4 submitters: Uncertain significance (1); Benign (1); Likely benign (2). Last evaluated 2024-11-03.

Conditions:
Hereditary cancer-predisposing syndrome. Also called: Neoplastic Syndromes, Hereditary; Hereditary neoplastic syndrome; Hereditary Cancer Syndrome; Tumor predisposition. Identifiers: Orphanet 140162, MedGen C0027672, MeSH D009386, MONDO:0015356.
Familial cancer of breast. Also called: Hereditary breast cancer; hereditary breast carcinoma; BREAST CANCER, FAMILIAL. Identifiers: Orphanet 227535, MedGen C0346153, MONDO:0016419, OMIM 114480. Disease mechanism: loss of function.
Ataxia-telangiectasia syndrome (AT). Also called: Ataxia-telangiectasia, complementation group D; AT, COMPLEMENTATION GROUP C; Ataxia-telangiectasia; Ataxia telangiectasia (A-T); Ataxia-telangiectasia, complementation group E; Cerebello-oculocutaneous telangiectasia. Identifiers: Orphanet 100, MedGen C0004135, MONDO:0008840, OMIM 208900.

Allele frequency attached by ClinVar (database versions not stated): gnomAD exomes below 0.00001; gnomAD 0.00001.
gnomAD v4.1: 2 of 1,613,232 alleles (0.00012%); highest among the groups gnomAD compares: African/African-American, 0.0013%; no homozygotes.

Submissions (4):

Labcorp Genetics (formerly Invitae), Labcorp
Classification: Likely benign for Ataxia-telangiectasia syndrome. Last evaluated: 2024-11-03. Review status: criteria provided, single submitter. Criteria: Invitae Variant Classification Sherloc (09022015). Collection method: clinical testing. Allele origin: germline.

Myriad Genetics, Inc.
Classification: Benign for Familial cancer of breast. Last evaluated: 2024-04-17. Review status: criteria provided, single submitter. Criteria: Myriad Autosomal Dominant, Autosomal Recessive and X-Linked Classification Criteria (2023). Collection method: clinical testing. Allele origin: unknown.
Comment: This variant is considered benign. This variant is a silent/synonymous amino acid change and it is not expected to impact splicing.

GeneDx
Classification: Uncertain significance. Last evaluated: 2024-02-20. Review status: criteria provided, single submitter. Criteria: GeneDx Variant Classification Process June 2021. Collection method: clinical testing. Allele origin: germline. Affected: yes.
Comment: Not observed at significant frequency in large population cohorts (gnomAD); In silico analysis supports that this variant does not alter splicing; Has not been previously published as pathogenic or benign to our knowledge

Ambry Genetics
Classification: Likely benign for Hereditary cancer-predisposing syndrome. Last evaluated: 2024-02-10. Review status: criteria provided, single submitter. Criteria: Ambry Variant Classification Scheme 2023. Collection method: clinical testing. Allele origin: germline.